The following is an entry in ClinVar:

ClinVar aggregate classification (germline): Uncertain significance. Review status: criteria provided, multiple submitters, no conflicts (2 of 4 stars). 2 submissions from 2 submitters: Uncertain significance (2). Last evaluated 2023-08-29.

Allele frequency attached by ClinVar (database versions not stated): gnomAD 0.00001.
gnomAD v4.1: 1 of 1,613,286 alleles (0.000062%); highest among the groups gnomAD compares: African/African-American, 0.0013%; no homozygotes.

Submissions (2):

Blueprint Genetics
Classification: Uncertain significance. Last evaluated: 2023-08-29. Review status: criteria provided, single submitter. Criteria: ACMG Guidelines, 2015. Collection method: clinical testing. Allele origin: germline.

Labcorp Genetics (formerly Invitae), Labcorp
Classification: Uncertain significance. Last evaluated: 2022-07-15. Review status: criteria provided, single submitter. Criteria: Invitae Variant Classification Sherloc (09022015). Collection method: clinical testing. Allele origin: germline.
Comment: This sequence change replaces glutamic acid, which is acidic and polar, with glycine, which is neutral and non-polar, at codon 1958 of the MYO7A protein (p.Glu1958Gly). In summary, the available evidence is currently insufficient to determine the role of this variant in disease. Therefore, it has been classified as a Variant of Uncertain Significance. Advanced modeling of protein sequence and biophysical properties (such as structural, functional, and spatial information, amino acid conservation, physicochemical variation, residue mobility, and thermodynamic stability) performed at Invitae indicates that this missense variant is expected to disrupt MYO7A protein function. ClinVar contains an entry for this variant (Variation ID: 1472521). This variant has not been reported in the literature in individuals affected with MYO7A-related conditions. This variant is not present in population databases (gnomAD no frequency).

NM_000260.4(MYO7A):c.5873A>G (p.Glu1958Gly)

Gene: MYO7A (myosin VIIA; plus strand). Cytogenetic location: 11q13.5.
Variant type: single nucleotide variant.
Coding change: c.5873A>G on transcript NM_000260.4 (MANE Select); coding-DNA position 5873, A replaced by G.
Protein change: p.Glu1958Gly; replaces glutamic acid 1958 with glycine.
Molecular consequence: missense variant.
Genome position (GRCh38, 1-based): chr11:77,208,446, A>G. VCF-style: chr11-77208446-A-G. GRCh37 (hg19) VCF-style: chr11-76919491-A-G.
Other names: c.5759A>G, p.Glu1920Gly (NM_001127180.2); c.5726A>G, p.Glu1909Gly (NM_001369365.1); short protein forms E1920G, E1958G, E1909G.
Identifiers: ClinVar variation 1472521 (VCV001472521.9), dbSNP rs1957612026, ClinGen allele CA381932549.